The following is an entry in ClinVar:

ClinVar aggregate classification (germline): Likely benign. Review status: criteria provided, multiple submitters, no conflicts (2 of 4 stars). 2 submissions from 2 submitters: Likely benign (2). Last evaluated 2025-03-22.

Conditions:
Nephronophthisis. Also called: Juvenile Nephronophthisis. Identifiers: Orphanet 655, MedGen C0687120, MONDO:0019005, HP:0000090.
INVS-related disorder. Also called: INVS-related condition.

Allele frequency attached by ClinVar (database versions not stated): gnomAD 0.00001; ExAC 0.00002; TOPMed 0.00002.
gnomAD v4.1: 40 of 1,613,812 alleles (0.0025%); highest among the groups gnomAD compares: Middle Eastern, 0.016%; no homozygotes.

Submissions (2):

Labcorp Genetics (formerly Invitae), Labcorp
Classification: Likely benign for Nephronophthisis. Last evaluated: 2025-03-22. Review status: criteria provided, single submitter. Criteria: Invitae Variant Classification Sherloc (09022015). Collection method: clinical testing. Allele origin: germline.

PreventionGenetics, part of Exact Sciences
Classification: Likely benign for INVS-related condition. Last evaluated: 2024-12-06. Review status: criteria provided, single submitter. Criteria: ACMG Guidelines, 2015. Collection method: clinical testing. Allele origin: germline.
Comment: This variant is classified as likely benign based on ACMG/AMP sequence variant interpretation guidelines (Richards et al. 2015 PMID: 25741868, with internal and published modifications).

NM_014425.5(INVS):c.27T>C (p.Phe9=)

Gene: INVS (inversin; plus strand). Cytogenetic location: 9q31.1.
Variant type: single nucleotide variant.
Coding change: c.27T>C on transcript NM_014425.5 (MANE Select); coding-DNA position 27, T replaced by C.
Protein change: p.Phe9=; no amino-acid change (phenylalanine 9 retained).
Molecular consequence: synonymous variant. On other transcripts: 5 prime UTR variant (2), non-coding transcript variant (1).
Genome position (GRCh38, 1-based): chr9:100,104,548, T>C. VCF-style: chr9-100104548-T-C. GRCh37 (hg19) VCF-style: chr9-102866830-T-C.
Other names: c.-350T>C (NM_001318381.2); c.-963T>C (NM_001318382.2); c.27T>C (NM_014425.4).
Identifiers: ClinVar variation 698486 (VCV000698486.10), dbSNP rs777589570, ClinGen allele CA5158049.